The following is an entry in ClinVar:

NM_000868.4(HTR2C):c.1120A>C (p.Ile374Leu)

Genes: HTR2C (5-hydroxytryptamine receptor 2C; plus strand), LOC126863306 (MED14-independent group 3 enhancer GRCh37_chrX:114140926-114142125; plus strand). Cytogenetic location: Xq23.
Variant type: single nucleotide variant.
Coding change: c.1120A>C on transcript NM_000868.4 (MANE Select); coding-DNA position 1120, A replaced by C.
Protein change: p.Ile374Leu; replaces isoleucine 374 with leucine.
Molecular consequence: missense variant. On other transcripts: 3 prime UTR variant (1).
Genome position (GRCh38, 1-based): chrX:114,907,158, A>C. VCF-style: chrX-114907158-A-C. GRCh37 (hg19) VCF-style: chrX-114141721-A-C.
Other names: c.1120A>C, p.Ile374Leu (NM_001256760.3); c.*278A>C (NM_001256761.3); c.1120A>C (NM_000868.3); short protein forms I374L.
Identifiers: ClinVar variation 2460618 (VCV002460618.6), dbSNP rs200450984, ClinGen allele CA10495555.
Genomic context (GRCh38, chrX:114,907,158, plus strand): 5'-GTTTGGATTGGCTATGTTTGTTCAGGAATCAATCCTCTGGTGTATACTCTGTTCAACAAA[A>C]TTTACCGAAGGGCATTCTCCAACTATTTGCGTTGCAATTATAAGGTAGAGAAAAAGCCTC-3'
Protein context (NP_000859.2, residues 364-384): NPLVYTLFNK[Ile374Leu]YRRAFSNYLR

ClinVar aggregate classification (germline): Conflicting classifications of pathogenicity. Review status: criteria provided, conflicting classifications (1 of 4 stars). 2 submissions from 2 submitters: Uncertain significance (1); Likely benign (1). Last evaluated 2025-08-04.

Conditions:
HTR2C-related disorder. Also called: HTR2C-related condition.

Allele frequency attached by ClinVar (database versions not stated): TOPMed 0.00015; gnomAD exomes 0.00018; ESP Exome Variant Server 0.00019; gnomAD 0.00025; ExAC 0.00031.
gnomAD v4.1: 223 of 1,209,439 alleles (0.018%); highest among the groups gnomAD compares: Non-Finnish European, 0.021%; no homozygotes.

Submissions (2):

Ambry Genetics
Classification: Uncertain significance. Last evaluated: 2025-08-04. Review status: criteria provided, single submitter. Criteria: Ambry Variant Classification Scheme 2023. Collection method: clinical testing. Allele origin: germline.

PreventionGenetics, part of Exact Sciences
Classification: Likely benign for HTR2C-related condition. Last evaluated: 2024-10-27. Review status: criteria provided, single submitter. Criteria: ACMG Guidelines, 2015. Collection method: clinical testing. Allele origin: germline.
Comment: This variant is classified as likely benign based on ACMG/AMP sequence variant interpretation guidelines (Richards et al. 2015 PMID: 25741868, with internal and published modifications).